The following is an entry in ClinVar:

NM_014159.7(SETD2):c.7447G>A (p.Val2483Ile)

Gene: SETD2 (SET domain containing 2, histone lysine methyltransferase; minus strand). Cytogenetic location: 3p21.31.
Variant type: single nucleotide variant.
Coding change: c.7447G>A on transcript NM_014159.7 (MANE Select); coding-DNA position 7447, G replaced by A.
Protein change: p.Val2483Ile; replaces valine 2483 with isoleucine.
Molecular consequence: missense variant. On other transcripts: non-coding transcript variant (1).
Genome position (GRCh38, 1-based): chr3:47,017,724, C>T on the plus strand (G>A on the coding strand, the complement: SETD2 is on the minus strand). VCF-style: chr3-47017724-C-T. GRCh37 (hg19) VCF-style: chr3-47059214-C-T.
Other names: c.7315G>A, p.Val2439Ile (NM_001349370.3); short protein forms V2483I, V2439I.
Identifiers: ClinVar variation 841578 (VCV000841578.7), dbSNP rs141852778, ClinGen allele CA2362482.
Genomic context (GRCh38, chr3:47,017,724, plus strand): 5'-CAGTTGTGGTAATTCTTCCCACTTTGCAGTCAGGTTTCCGGTAAGGGTTCAGGCACTGGA[C>T]GATGAACTGGGACATCTGCAGGCAGAGAAAAGAGAACACGTTGCTCAACAGTCCAGAGAG-3'
Protein context (NP_054878.5, residues 2473-2493): VFRKEMSQFI[Val2483Ile]QCLNPYRKPD

ClinVar aggregate classification (germline): Conflicting classifications of pathogenicity. Review status: criteria provided, conflicting classifications (1 of 4 stars). 2 submissions from 2 submitters: Uncertain significance (1); Likely benign (1). Last evaluated 2022-09-07.

Conditions:
Inborn genetic diseases. Identifiers: MedGen C0950123, MeSH D030342.
Luscan-Lumish syndrome. Identifiers: Orphanet 597738, MedGen C4085873, MONDO:0014791, OMIM 616831.

Allele frequency attached by ClinVar (database versions not stated): gnomAD exomes 0.00003 and 0.00002; gnomAD 0.00002; TOPMed 0.00002; ExAC 0.00001; ESP Exome Variant Server 0.00008.
gnomAD v4.1: 49 of 1,613,178 alleles (0.003%); highest among the groups gnomAD compares: Non-Finnish European, 0.0039%; no homozygotes.

Submissions (2):

Ambry Genetics
Classification: Likely benign for Inborn genetic diseases. Last evaluated: 2022-09-07. Review status: criteria provided, single submitter. Criteria: Ambry Variant Classification Scheme 2023. Collection method: clinical testing. Allele origin: germline.

Labcorp Genetics (formerly Invitae), Labcorp
Classification: Uncertain significance for Luscan-Lumish syndrome. Last evaluated: 2019-02-04. Review status: criteria provided, single submitter. Criteria: Invitae Variant Classification Sherloc (09022015). Collection method: clinical testing. Allele origin: germline.
Comment: Algorithms developed to predict the effect of missense changes on protein structure and function are either unavailable or do not agree on the potential impact of this missense change (SIFT: "Tolerated"; PolyPhen-2: "Possibly Damaging"; Align-GVGD: "Class C0"). In summary, the available evidence is currently insufficient to determine the role of this variant in disease. Therefore, it has been classified as a Variant of Uncertain Significance. This variant has not been reported in the literature in individuals with SETD2-related conditions. This variant is present in population databases (rs141852778, ExAC 0.01%). This sequence change replaces valine with isoleucine at codon 2483 of the SETD2 protein (p.Val2483Ile). The valine residue is highly conserved and there is a small physicochemical difference between valine and isoleucine.